The following is an entry in ClinVar:

ClinVar aggregate classification (germline): Likely benign. Review status: criteria provided, single submitter (1 of 4 stars). 2 submissions from 2 submitters: Likely benign (1). 1 of the submissions does not count toward it. Last evaluated 2025-01-14.

Conditions:
CEP120-related disorder. Also called: CEP120-Related Disorders; CEP120-related condition.
Short-rib thoracic dysplasia 13 with or without polydactyly (SRTD13). Identifiers: Orphanet 474, MedGen C4225378, MONDO:0014577, OMIM 616300.

Allele frequency attached by ClinVar (database versions not stated): ExAC 0.00002; gnomAD 0.00002; TOPMed 0.00002.
gnomAD v4.1: 20 of 1,613,488 alleles (0.0012%); highest among the groups gnomAD compares: Admixed American, 0.0033%; no homozygotes.

Submissions (2):

Labcorp Genetics (formerly Invitae), Labcorp
Classification: Likely benign for Short-rib thoracic dysplasia 13 with or without polydactyly. Last evaluated: 2025-01-14. Review status: criteria provided, single submitter. Criteria: Invitae Variant Classification Sherloc (09022015). Collection method: clinical testing. Allele origin: germline.

PreventionGenetics, part of Exact Sciences
Classification: Likely benign for CEP120-related condition. Last evaluated: 2022-08-07. Review status: no assertion criteria provided. Collection method: clinical testing. Allele origin: germline. Not counted in ClinVar's aggregate classification.
Comment: This variant is classified as likely benign based on ACMG/AMP sequence variant interpretation guidelines (Richards et al. 2015 PMID: 25741868, with internal and published modifications).

NM_001375405.1(CEP120):c.2685C>T (p.Thr895=)

Gene: CEP120 (centrosomal protein 120; minus strand). Cytogenetic location: 5q23.2.
Variant type: single nucleotide variant.
Coding change: c.2685C>T on transcript NM_001375405.1 (MANE Select); coding-DNA position 2685, C replaced by T.
Protein change: p.Thr895=; no amino-acid change (threonine 895 retained).
Molecular consequence: synonymous variant. On other transcripts: non-coding transcript variant (1).
Genome position (GRCh38, 1-based): chr5:123,349,985, G>A on the plus strand (C>T on the coding strand, the complement: CEP120 is on the minus strand). VCF-style: chr5-123349985-G-A. GRCh37 (hg19) VCF-style: chr5-122685679-G-A.
Other names: c.2607C>T, p.Thr869= (NM_001166226.2); c.2550C>T, p.Thr850= (NM_001375406.1); c.2685C>T, p.Thr895= (NM_001375407.1, NM_153223.4); c.2112C>T, p.Thr704= (NM_001375408.1, NM_001375409.1).
Identifiers: ClinVar variation 3029910 (VCV003029910.4), dbSNP rs529165835, ClinGen allele CA3386558.